The following is an entry in ClinVar:

ClinVar aggregate classification (germline): Uncertain significance. Review status: criteria provided, multiple submitters, no conflicts (2 of 4 stars). 2 submissions from 2 submitters: Uncertain significance (2). Last evaluated 2024-11-30.

Conditions:
Cardiovascular phenotype. Identifiers: MedGen CN230736.
Progressive familial heart block type IB (PFHB1B). Identifiers: Orphanet 871, MedGen C1970298, MONDO:0011474, OMIM 604559.

Allele frequency attached by ClinVar (database versions not stated): gnomAD exomes below 0.00001.
gnomAD v4.1: 2 of 1,613,188 alleles (0.00012%); highest among the groups gnomAD compares: East Asian, 0.0022%; no homozygotes.

Submissions (2):

Labcorp Genetics (formerly Invitae), Labcorp
Classification: Uncertain significance for Progressive familial heart block type IB. Last evaluated: 2024-11-30. Review status: criteria provided, single submitter. Criteria: Invitae Variant Classification Sherloc (09022015). Collection method: clinical testing. Allele origin: germline.
Comment: This sequence change replaces leucine, which is neutral and non-polar, with phenylalanine, which is neutral and non-polar, at codon 381 of the TRPM4 protein (p.Leu381Phe). This variant is present in population databases (no rsID available, gnomAD 0.006%). This variant has not been reported in the literature in individuals affected with TRPM4-related conditions. ClinVar contains an entry for this variant (Variation ID: 1731448). An algorithm developed to predict the effect of missense changes on protein structure and function (PolyPhen-2) suggests that this variant is likely to be disruptive. In summary, the available evidence is currently insufficient to determine the role of this variant in disease. Therefore, it has been classified as a Variant of Uncertain Significance.

Ambry Genetics
Classification: Uncertain significance for Cardiovascular phenotype. Last evaluated: 2024-06-30. Review status: criteria provided, single submitter. Criteria: Ambry Variant Classification Scheme 2023. Collection method: clinical testing. Allele origin: germline.

NM_017636.4(TRPM4):c.1141C>T (p.Leu381Phe)

Gene: TRPM4 (transient receptor potential cation channel subfamily M member 4; plus strand). Cytogenetic location: 19q13.33.
Variant type: single nucleotide variant.
Coding change: c.1141C>T on transcript NM_017636.4 (MANE Select); coding-DNA position 1141, C replaced by T.
Protein change: p.Leu381Phe; replaces leucine 381 with phenylalanine.
Molecular consequence: missense variant. On other transcripts: 5 prime UTR variant (1), intron variant (1).
Genome position (GRCh38, 1-based): chr19:49,172,099, C>T. VCF-style: chr19-49172099-C-T. GRCh37 (hg19) VCF-style: chr19-49675356-C-T.
Other names: c.1141C>T, p.Leu381Phe (NM_001195227.2); c.796C>T, p.Leu266Phe (NM_001321281.2); c.-413C>T (NM_001321282.2); c.619C>T, p.Leu207Phe (NM_001321283.2); c.201+330C>T (NM_001321285.2); short protein forms L266F, L381F, L207F.
Identifiers: ClinVar variation 1731448 (VCV001731448.8), dbSNP rs1363006015, ClinGen allele CA406795733.